The following is an entry in ClinVar:

NM_001291415.2(KDM6A):c.1711C>G (p.Arg571Gly)

Gene: KDM6A (lysine demethylase 6A; plus strand). Cytogenetic location: Xp11.3.
Variant type: single nucleotide variant.
Coding change: c.1711C>G on transcript NM_001291415.2 (MANE Select); coding-DNA position 1711, C replaced by G.
Protein change: p.Arg571Gly; replaces arginine 571 with glycine.
Molecular consequence: missense variant. On other transcripts: non-coding transcript variant (1).
Genome position (GRCh38, 1-based): chrX:45,063,449, C>G. VCF-style: chrX-45063449-C-G. GRCh37 (hg19) VCF-style: chrX-44922694-C-G.
Other names: c.1576C>G, p.Arg526Gly (NM_001291416.2); c.1420C>G, p.Arg474Gly (NM_001291417.2); c.1318C>G, p.Arg440Gly (NM_001291418.2); c.667C>G, p.Arg223Gly (NM_001291421.2); c.1555C>G, p.Arg519Gly (NM_021140.4); short protein forms R223G, R526G, R571G, R440G, R474G, R519G.
Identifiers: ClinVar variation 1037454 (VCV001037454.11), dbSNP rs397514628, ClinGen allele CA412787636.
Genomic context (GRCh38, chrX:45,063,449, plus strand): 5'-CCAGCATTTACTTTTCCTTTGTTTTTTTGACAGATGAGACCAACAGGAGTTGCACAGGTA[C>G]GATCTACTGGAATTCCTAATGGGCCAACAGCTGACTCATCACTGCCTACAAACTCAGTCT-3'
Protein context (NP_001278344.1, residues 561-581): QMRPTGVAQV[Arg571Gly]STGIPNGPTA

ClinVar aggregate classification (germline): Uncertain significance. Review status: criteria provided, multiple submitters, no conflicts (2 of 4 stars). 2 submissions from 2 submitters: Uncertain significance (2). Last evaluated 2025-04-23.

Conditions:
Kabuki syndrome 2 (KABUK2). Also called: KDM6A-Related Kabuki Syndrome. Identifiers: Orphanet 2322, MedGen C3275495, MONDO:0010465, OMIM 300867.

Allele frequency attached by ClinVar (database versions not stated): gnomAD exomes 0.00001; TOPMed 0.00001.
gnomAD v4.1: 3 of 1,207,095 alleles (0.00025%); highest among the groups gnomAD compares: Admixed American, 0.0065%; no homozygotes.

Submissions (2):

Labcorp Genetics (formerly Invitae), Labcorp
Classification: Uncertain significance for Kabuki syndrome 2. Last evaluated: 2025-04-23. Review status: criteria provided, single submitter. Criteria: Invitae Variant Classification Sherloc (09022015). Collection method: clinical testing. Allele origin: germline.
Comment: This sequence change replaces arginine, which is basic and polar, with glycine, which is neutral and non-polar, at codon 519 of the KDM6A protein (p.Arg519Gly). This variant is present in population databases (no rsID available, gnomAD 0.008%), including at least one homozygous and/or hemizygous individual. This variant has not been reported in the literature in individuals affected with KDM6A-related conditions. ClinVar contains an entry for this variant (Variation ID: 1037454). Invitae Evidence Modeling of protein sequence and biophysical properties (such as structural, functional, and spatial information, amino acid conservation, physicochemical variation, residue mobility, and thermodynamic stability) indicates that this missense variant is not expected to disrupt KDM6A protein function with a negative predictive value of 80%. In summary, the available evidence is currently insufficient to determine the role of this variant in disease. Therefore, it has been classified as a Variant of Uncertain Significance.

GeneDx
Classification: Uncertain significance. Last evaluated: 2024-06-07. Review status: criteria provided, single submitter. Criteria: GeneDx Variant Classification Process June 2021. Collection method: clinical testing. Allele origin: germline. Affected: yes.
Comment: In silico analysis supports that this missense variant has a deleterious effect on protein structure/function; Has not been previously published as pathogenic or benign to our knowledge